The following is an entry in ClinVar:

NM_000498.3(CYP11B2):c.217C>T (p.Gln73Ter)

Genes: CYP11B2 (cytochrome P450 family 11 subfamily B member 2; minus strand), LOC106799834 (CYP11B2 recombination region; plus strand). Cytogenetic location: 8q24.3.
Variant type: single nucleotide variant.
Coding change: c.217C>T on transcript NM_000498.3 (MANE Select); coding-DNA position 217, C replaced by T.
Protein change: p.Gln73Ter; replaces glutamine 73 with a stop codon.
Molecular consequence: nonsense.
Genome position (GRCh38, 1-based): chr8:142,917,624, G>A on the plus strand (C>T on the coding strand, the complement: CYP11B2 is on the minus strand). VCF-style: chr8-142917624-G-A. GRCh37 (hg19) VCF-style: chr8-143999040-G-A.
Other names: short protein forms Q73*.
Identifiers: ClinVar variation 1459295 (VCV001459295.6), dbSNP rs764756525, ClinGen allele CA4906345.
Genomic context (GRCh38, chr8:142,917,624, plus strand): 5'-ATCTGGGTGTTCCCAGCGAGGGCCAGGGAGGGCTTTACCTGAAAATGGGCCCCAGCTCCT[G>A]GAAGGTCTGGTGCATCTCCAGGTGCAGGTGCTCATAACCCTGCTCCCTCCAGATCTGCAG-3'

ClinVar aggregate classification (germline): Pathogenic (1 of 4 stars; one submission).

Allele frequency attached by ClinVar (database versions not stated): gnomAD exomes below 0.00001; ExAC 0.00001.

Submission:

Labcorp Genetics (formerly Invitae), Labcorp
Classification: Pathogenic. Last evaluated: 2021-01-27. Review status: criteria provided, single submitter. Criteria: Invitae Variant Classification Sherloc (09022015). Collection method: clinical testing. Allele origin: germline.
Comment: For these reasons, this variant has been classified as Pathogenic. This variant has not been reported in the literature in individuals with CYP11B2-related conditions. This variant is present in population databases (rs764756525, ExAC 0.009%). This sequence change creates a premature translational stop signal (p.Gln73*) in the CYP11B2 gene. It is expected to result in an absent or disrupted protein product. Loss-of-function variants in CYP11B2 are known to be pathogenic (PMID: 20494601, 22801770, 26936515).

Literature cited by the submitters: PubMed 20494601; PubMed 22801770; PubMed 26936515.